The following is an entry in ClinVar:

NM_024854.5(PYROXD1):c.1255-3T>C

Gene: PYROXD1 (pyridine nucleotide-disulphide oxidoreductase domain 1; plus strand). Cytogenetic location: 12p12.1.
Variant type: single nucleotide variant.
Coding change: c.1255-3T>C on transcript NM_024854.5 (MANE Select); 3 bases into the intron before coding-DNA position 1255, T replaced by C.
Molecular consequence: intron variant.
Genome position (GRCh38, 1-based): chr12:21,468,503, T>C. VCF-style: chr12-21468503-T-C. GRCh37 (hg19) VCF-style: chr12-21621437-T-C.
Other names: c.478-3T>C (NM_001350913.2); c.1042-3T>C (NM_001350912.2).
Identifiers: ClinVar variation 1594197 (VCV001594197.28), dbSNP rs142612258, ClinGen allele CA6478525.

ClinVar aggregate classification (germline): Likely benign. Review status: criteria provided, multiple submitters, no conflicts (2 of 4 stars). 2 submissions from 2 submitters: Likely benign (2). Last evaluated 2025-11-18.

Allele frequency attached by ClinVar (database versions not stated): TOPMed 0.00017; gnomAD 0.00029 and 0.00009; gnomAD exomes 0.00029 and 0.00049; ExAC 0.00032; 1000 Genomes Project 30x 0.00141; 1000 Genomes Project 0.00180; ESP Exome Variant Server 0.00008.
gnomAD v4.1: 742 of 1,608,992 alleles (0.046%); highest among the groups gnomAD compares: East Asian, 1.6%; 10 homozygotes.

Submissions (2):

Labcorp Genetics (formerly Invitae), Labcorp
Classification: Likely benign. Last evaluated: 2025-11-18. Review status: criteria provided, single submitter. Criteria: Invitae Variant Classification Sherloc (09022015). Collection method: clinical testing. Allele origin: germline.

CeGaT Center for Human Genetics Tuebingen
Classification: Likely benign. Last evaluated: 2024-04-01. Review status: criteria provided, single submitter. Criteria: CeGaT Center For Human Genetics Tuebingen Variant Classification Criteria Version 2. Collection method: clinical testing. Allele origin: germline. Affected: yes. Observed: 1 variant allele.
Comment: PYROXD1: BP4